The following is an entry in ClinVar:

ClinVar aggregate classification (germline): Uncertain significance (1 of 4 stars; one submission).

Conditions:
Myofibrillar myopathy 5. Also called: Filaminopathy (type); FILAMINOPATHY, AUTOSOMAL DOMINANT. Identifiers: Orphanet 171445, MedGen C1836050, MONDO:0012289, OMIM 609524.
Distal myopathy with posterior leg and anterior hand involvement. Also called: WILLIAMS DISTAL MYOPATHY. Identifiers: Orphanet 63273, MedGen C3279722, MONDO:0013550, OMIM 614065.
Hypertrophic cardiomyopathy 26. Also called: Cardiomyopathy, familial hypertrophic, 26. Identifiers: Orphanet 75249, MedGen C4310749, MONDO:0014883, OMIM 617047.

Submission:

Labcorp Genetics (formerly Invitae), Labcorp
Classification: Uncertain significance for Distal myopathy with posterior leg and anterior hand involvement; Myofibrillar myopathy 5; Hypertrophic cardiomyopathy 26. Last evaluated: 2022-09-13. Review status: criteria provided, single submitter. Criteria: Invitae Variant Classification Sherloc (09022015). Collection method: clinical testing. Allele origin: germline.
Comment: Experimental studies and prediction algorithms are not available or were not evaluated, and the functional significance of this variant is currently unknown. Algorithms developed to predict the effect of sequence changes on RNA splicing suggest that this variant may create or strengthen a splice site. In summary, the available evidence is currently insufficient to determine the role of this variant in disease. Therefore, it has been classified as a Variant of Uncertain Significance. ClinVar contains an entry for this variant (Variation ID: 1481403). This variant, c.231_232insGTATGC, results in the insertion of 2 amino acid(s) of the FLNC protein (p.Leu77_Ser78insValCys), but otherwise preserves the integrity of the reading frame. This variant is not present in population databases (gnomAD no frequency). This variant has not been reported in the literature in individuals affected with FLNC-related conditions.

NM_001458.5(FLNC):c.231_232insGTATGC (p.Leu77_Ser78insValCys)

Gene: FLNC (filamin C; plus strand). Cytogenetic location: 7q32.1.
Variant type: Insertion.
Coding change: c.231_232insGTATGC on transcript NM_001458.5 (MANE Select); coding-DNA positions 231 to 232, GTATGC inserted.
Protein change: p.Leu77_Ser78insValCys.
Molecular consequence: inframe insertion.
Genome position: GRCh38 VCF-style: chr7-128830867-T-TCGTATG. GRCh37 (hg19) VCF-style: chr7-128470921-T-TCGTATG.
Other names: c.231_232insGTATGC, p.Leu77_Ser78insValCys (NM_001127487.2).
Identifiers: ClinVar variation 1481403 (VCV001481403.8), dbSNP rs2128932197, ClinGen allele CA2573141744.